The following is an entry in ClinVar:

NM_001242896.3(DEPDC5):c.3449_3450del (p.Glu1150fs)

Gene: DEPDC5 (DEP domain containing 5, GATOR1 subcomplex subunit; plus strand). Cytogenetic location: 22q12.3.
Variant type: Deletion.
Coding change: c.3449_3450del on transcript NM_001242896.3 (MANE Select); coding-DNA positions 3449 to 3450, 2 bases deleted (AA; older notation c.3449_3450delAA).
Protein change: p.Glu1150fs; shifts the reading frame from glutamic acid 1150.
Molecular consequence: frameshift variant. On other transcripts: non-coding transcript variant (5).
Genome position (GRCh38, 1-based): chr22:31,870,708-31,870,709, AA deleted. VCF-style (leftmost placement, unchanged base first): chr22-31870707-GAA-G. GRCh37 (hg19) VCF-style: chr22-32266693-GAA-G.
Other names: c.3422_3423del, p.Glu1141fs (NM_001136029.4); c.3149_3150del, p.Glu1050fs (NM_001242897.2); c.3383_3384del, p.Glu1128fs (NM_001363852.2, NM_001364320.2); c.3215_3216del, p.Glu1072fs (NM_001363854.2, NM_001364319.2); c.3449_3450del, p.Glu1150fs (NM_001364318.2); c.3365_3366del, p.Glu1122fs (NM_001369901.1, NM_001369902.1); c.3356_3357del, p.Glu1119fs (NM_001369903.1, NM_014662.6); short protein forms E1050fs, E1072fs, E1119fs, E1122fs, E1128fs, E1141fs, E1150fs.
Identifiers: ClinVar variation 1073135 (VCV001073135.7), dbSNP rs2149231471, ClinGen allele CA2499226164.

ClinVar aggregate classification (germline): Pathogenic (1 of 4 stars; one submission).

Conditions:
Familial focal epilepsy with variable foci (FPEVF). Identifiers: Orphanet 98820, MedGen C1858477, MONDO:0020310.

Submission:

Labcorp Genetics (formerly Invitae), Labcorp
Classification: Pathogenic for Familial focal epilepsy with variable foci. Last evaluated: 2020-01-31. Review status: criteria provided, single submitter. Criteria: Invitae Variant Classification Sherloc (09022015). Collection method: clinical testing. Allele origin: germline.
Comment: This variant has not been reported in the literature in individuals with DEPDC5-related conditions. This variant is not present in population databases (ExAC no frequency). This sequence change creates a premature translational stop signal (p.Glu1150Alafs*10) in the DEPDC5 gene. It is expected to result in an absent or disrupted protein product. Loss-of-function variants in DEPDC5 are known to be pathogenic (PMID: 23542697, 23542701). For these reasons, this variant has been classified as Pathogenic.

Literature cited by the submitters: PubMed 23542697; PubMed 23542701.